The following is an entry in ClinVar:

ClinVar aggregate classification (germline): Pathogenic (1 of 4 stars; one submission).

Conditions:
Fucosidosis. Also called: ALPHA-L-FUCOSIDASE DEFICIENCY. Identifiers: Orphanet 349, MedGen C0016788, MONDO:0009254, OMIM 230000.

Submission:

Labcorp Genetics (formerly Invitae), Labcorp
Classification: Pathogenic for Fucosidosis. Last evaluated: 2023-06-23. Review status: criteria provided, single submitter. Criteria: Invitae Variant Classification Sherloc (09022015). Collection method: clinical testing. Allele origin: germline.
Comment: For these reasons, this variant has been classified as Pathogenic. This variant is also known as E113fs. This premature translational stop signal has been observed in individual(s) with fucosidosis (PMID: 9039984). This variant is not present in population databases (gnomAD no frequency). This sequence change creates a premature translational stop signal (p.Glu119Thrfs*11) in the FUCA1 gene. It is expected to result in an absent or disrupted protein product. Loss-of-function variants in FUCA1 are known to be pathogenic (PMID: 10094192).

Literature cited by the submitters: PubMed 9039984; PubMed 10094192.

NM_000147.5(FUCA1):c.355_364del (p.Glu119fs)

Gene: FUCA1 (alpha-L-fucosidase 1; minus strand). Cytogenetic location: 1p36.11.
Variant type: Deletion.
Coding change: c.355_364del on transcript NM_000147.5 (MANE Select); coding-DNA positions 355 to 364, 10 bases deleted (GAGTGGGCCG; older notation c.355_364delGAGTGGGCCG).
Protein change: p.Glu119fs; shifts the reading frame from glutamic acid 119.
Molecular consequence: frameshift variant. On other transcripts: non-coding transcript variant (4).
Genome position (GRCh38, 1-based): chr1:23,867,923-23,867,932, CGGCCCACTC deleted on the plus strand (GAGTGGGCCG on the coding strand, the reverse complement: FUCA1 is on the minus strand); deleting any 10 consecutive bases within chr1:23,867,923-23,867,933 gives the same sequence; the c. name uses the placement nearest the transcript's 3' end. VCF-style (leftmost placement, unchanged base first): chr1-23867922-TCGGCCCACTC-T. GRCh37 (hg19) VCF-style: chr1-24194412-TCGGCCCACTC-T.
Other names: short protein forms E119fs.
Identifiers: ClinVar variation 2745555 (VCV002745555.3), dbSNP rs1330811896, ClinGen allele CA733370859.